The following is an entry in ClinVar:

ClinVar aggregate classification (germline): Uncertain significance (1 of 4 stars; one submission).

Conditions:
Developmental and epileptic encephalopathy, 34 (DEE34). Also called: Early infantile epileptic encephalopathy 34; SLC12A5-Related Epilepsy of Infancy with Migrating Focal Seizures. Identifiers: Orphanet 293181, MedGen C4225257, MONDO:0014718, OMIM 616645.

Submission:

Labcorp Genetics (formerly Invitae), Labcorp
Classification: Uncertain significance for Developmental and epileptic encephalopathy, 34. Last evaluated: 2022-11-03. Review status: criteria provided, single submitter. Criteria: Invitae Variant Classification Sherloc (09022015). Collection method: clinical testing. Allele origin: germline.
Comment: In summary, the available evidence is currently insufficient to determine the role of this variant in disease. Therefore, it has been classified as a Variant of Uncertain Significance. Advanced modeling of protein sequence and biophysical properties (such as structural, functional, and spatial information, amino acid conservation, physicochemical variation, residue mobility, and thermodynamic stability) performed at Invitae indicates that this missense variant is not expected to disrupt SLC12A5 protein function. ClinVar contains an entry for this variant (Variation ID: 580228). This variant has not been reported in the literature in individuals affected with SLC12A5-related conditions. This variant is not present in population databases (gnomAD no frequency). This sequence change replaces isoleucine, which is neutral and non-polar, with valine, which is neutral and non-polar, at codon 354 of the SLC12A5 protein (p.Ile354Val).

NM_020708.5(SLC12A5):c.1060A>G (p.Ile354Val)

Gene: SLC12A5 (solute carrier family 12 member 5; plus strand). Cytogenetic location: 20q13.12.
Variant type: single nucleotide variant.
Coding change: c.1060A>G on transcript NM_020708.5 (MANE Select); coding-DNA position 1060, A replaced by G.
Protein change: p.Ile354Val; replaces isoleucine 354 with valine.
Molecular consequence: missense variant.
Genome position (GRCh38, 1-based): chr20:46,041,534, A>G. VCF-style: chr20-46041534-A-G. GRCh37 (hg19) VCF-style: chr20-44670173-A-G.
Other names: c.1129A>G, p.Ile377Val (NM_001134771.2); short protein forms I354V, I377V.
Identifiers: ClinVar variation 580228 (VCV000580228.11), dbSNP rs961067707, ClinGen allele CA409190606.